The following is an entry in ClinVar:

ClinVar aggregate classification (germline): Likely pathogenic. Review status: criteria provided, multiple submitters, no conflicts (2 of 4 stars). 4 submissions from 4 submitters: Likely pathogenic (4). Last evaluated 2025-09-02.

Conditions:
Autosomal dominant Alport syndrome (ATS3A). Also called: ALPORT SYNDROME 3A, AUTOSOMAL DOMINANT; Alport syndrome dominant type; Renal failure and sensorineural hearing loss. Identifiers: Orphanet 63, Orphanet 88918, MedGen C5882663, MONDO:0007086, OMIM 104200.
Autosomal recessive Alport syndrome (ATS2). Also called: COL4A4 Alport Syndrome and Thin Basement Membrane Nephropathy; ALPORT SYNDROME 2, AUTOSOMAL RECESSIVE; COL4A3-Related Nephropathy; Alport syndrome type 2. Identifiers: Orphanet 63, Orphanet 88919, MedGen C4746745, MONDO:0008762, OMIM 203780.

Allele frequency attached by ClinVar (database versions not stated): gnomAD exomes below 0.00001.
gnomAD v4.1: 1 of 1,614,018 alleles (0.000062%); highest among the groups gnomAD compares: African/African-American, 0.0013%; no homozygotes.

Submissions (4):

Labcorp Genetics (formerly Invitae), Labcorp
Classification: Likely pathogenic. Last evaluated: 2025-09-02. Review status: criteria provided, single submitter. Criteria: Invitae Variant Classification Sherloc (09022015). Collection method: clinical testing. Allele origin: germline.
Comment: This sequence change replaces glycine, which is neutral and non-polar, with arginine, which is basic and polar, at codon 395 of the COL4A3 protein (p.Gly395Arg). This variant is not present in population databases (gnomAD no frequency). This missense change has been observed in individuals with autosomal recessive Alport syndrome (PMID: 36117978; internal data). ClinVar contains an entry for this variant (Variation ID: 807565). Invitae Evidence Modeling of protein sequence and biophysical properties (such as structural, functional, and spatial information, amino acid conservation, physicochemical variation, residue mobility, and thermodynamic stability) indicates that this missense variant is expected to disrupt COL4A3 protein function with a positive predictive value of 80%. This variant disrupts the p.Gly395 amino acid residue in COL4A3. Other variant(s) that disrupt this residue have been determined to be pathogenic (PMID: 24944784). This suggests that this residue is clinically significant, and that variants that disrupt this residue are likely to be disease-causing. In summary, the currently available evidence indicates that the variant is pathogenic, but additional data are needed to prove that conclusively. Therefore, this variant has been classified as Likely Pathogenic.

Department of Clinical Genetics, Copenhagen University Hospital, Rigshospitalet
Classification: Likely pathogenic for Autosomal dominant Alport syndrome. Last evaluated: 2025-01-08. Review status: criteria provided, single submitter. Criteria: ACMG Guidelines, 2015. Collection method: clinical testing. Allele origin: germline.
Comment: PP3_Str, PM1_M, PM2_Sup

Genetic Services Laboratory, University of Chicago
Classification: Likely pathogenic. Last evaluated: 2024-03-04. Review status: criteria provided, single submitter. Criteria: ACMG Guidelines, 2015. Collection method: clinical testing. Allele origin: germline. Affected: yes.
Comment: DNA sequence analysis of the COL4A3 gene demonstrated a sequence change, c.1183G>A, in exon 21 that results in an amino acid change, p.Gly395Arg in a homozygous state. The p.Gly395Arg change affects a highly conserved amino acid residue located in a Collagen triple helix repeat domain of the COL4A3 protein that is known to be functional. The p.Gly395Arg substitution appears to be deleterious using several in-silico pathogenicity prediction tools (SIFT, PolyPhen2, REVEL). This particular amino acid change does not appear to have been described in the literature; however, a different sequence change affecting the same amino acid residue (p.Gly395Glu) has been described in an individual with autosomal dominant Alport syndrome, presenting with haematuria, hypertension, abnormal renal function, proteinuria and hearing loss and family history of hearing loss and microscopic haematuria (PMID: 24944784). This sequence change has not been described in population databases such as ExAC and gnomAD (dbSNP rs1574727988). This sequence change likely pathogenic, however functional studies have not been performed to prove this conclusively.

Institute of Human Genetics Munich, TUM University Hospital
Classification: Likely pathogenic for Autosomal recessive Alport syndrome. Last evaluated: 2018-01-04. Review status: criteria provided, single submitter. Criteria: Classification criteria August 2017. Collection method: clinical testing. Allele origin: germline. Inheritance: Autosomal recessive inheritance. Affected: yes. Observed: 1 homozygote.

Literature cited by the submitters: PubMed 36117978 (cited by Labcorp Genetics (formerly Invitae), Labcorp); PubMed 24944784 (cited by Labcorp Genetics (formerly Invitae), Labcorp).

NM_000091.5(COL4A3):c.1183G>A (p.Gly395Arg)

Genes: COL4A3 (collagen type IV alpha 3 chain; plus strand), MFF-DT (MFF divergent transcript; minus strand). Cytogenetic location: 2q36.3.
Variant type: single nucleotide variant.
Coding change: c.1183G>A on transcript NM_000091.5 (MANE Select); coding-DNA position 1183, G replaced by A.
Protein change: p.Gly395Arg; replaces glycine 395 with arginine.
Molecular consequence: missense variant.
Genome position (GRCh38, 1-based): chr2:227,263,812, G>A. VCF-style: chr2-227263812-G-A. GRCh37 (hg19) VCF-style: chr2-228128528-G-A.
Other names: short protein forms G395R.
Identifiers: ClinVar variation 807565 (VCV000807565.14), dbSNP rs1574727988, ClinGen allele CA350868735.